The following is an entry in ClinVar:

NM_001388492.1(HTT):c.1859C>A (p.Ser620Tyr)

Gene: HTT (huntingtin; plus strand). Cytogenetic location: 4p16.3.
Variant type: single nucleotide variant.
Coding change: c.1859C>A on transcript NM_001388492.1 (MANE Select); coding-DNA position 1859, C replaced by A.
Protein change: p.Ser620Tyr; replaces serine 620 with tyrosine.
Molecular consequence: missense variant.
Genome position (GRCh38, 1-based): chr4:3,130,039, C>A. VCF-style: chr4-3130039-C-A. GRCh37 (hg19) VCF-style: chr4-3131766-C-A.
Other names: c.1865C>A, p.Ser622Tyr (NM_002111.8); short protein forms S620Y, S622Y.
Identifiers: ClinVar variation 1379141 (VCV001379141.6), dbSNP rs1216301728, ClinGen allele CA356079514.

ClinVar aggregate classification (germline): Uncertain significance (1 of 4 stars; one submission).

Submission:

Labcorp Genetics (formerly Invitae), Labcorp
Classification: Uncertain significance. Last evaluated: 2021-04-06. Review status: criteria provided, single submitter. Criteria: Invitae Variant Classification Sherloc (09022015). Collection method: clinical testing. Allele origin: germline.
Comment: In summary, the available evidence is currently insufficient to determine the role of this variant in disease. Therefore, it has been classified as a Variant of Uncertain Significance. Experimental studies and prediction algorithms are not available or were not evaluated, and the functional significance of this variant is currently unknown. This variant has not been reported in the literature in individuals with HTT-related conditions. This variant is not present in population databases (ExAC no frequency). This sequence change replaces serine with tyrosine at codon 622 of the HTT protein (p.Ser622Tyr). The serine residue is moderately conserved and there is a large physicochemical difference between serine and tyrosine.